The following is an entry in ClinVar:

NM_000493.4(COL10A1):c.1996G>T (p.Glu666Ter)

Genes: COL10A1 (collagen type X alpha 1 chain; minus strand), NT5DC1 (5'-nucleotidase domain containing 1; plus strand). Cytogenetic location: 6q22.1.
Variant type: single nucleotide variant.
Coding change: c.1996G>T on transcript NM_000493.4 (MANE Select); coding-DNA position 1996, G replaced by T.
Protein change: p.Glu666Ter; replaces glutamic acid 666 with a stop codon.
Molecular consequence: nonsense. On other transcripts: intron variant (1).
Genome position (GRCh38, 1-based): chr6:116,120,120, C>A on the plus strand (G>T on the coding strand, the complement: COL10A1 is on the minus strand). VCF-style: chr6-116120120-C-A. GRCh37 (hg19) VCF-style: chr6-116441283-C-A.
Other names: c.1996G>T, p.Glu666Ter (NM_001424106.1, NM_001424107.1); c.529+2175C>A (NM_152729.3); short protein forms E666*.
Identifiers: ClinVar variation 1475344 (VCV001475344.8), dbSNP rs2114276490, ClinGen allele CA365386239.

ClinVar aggregate classification (germline): Likely pathogenic (1 of 4 stars; one submission).

Submission:

Labcorp Genetics (formerly Invitae), Labcorp
Classification: Likely pathogenic. Last evaluated: 2023-12-19. Review status: criteria provided, single submitter. Criteria: Invitae Variant Classification Sherloc (09022015). Collection method: clinical testing. Allele origin: germline.
Comment: This sequence change creates a premature translational stop signal (p.Glu666*) in the COL10A1 gene. While this is not anticipated to result in nonsense mediated decay, it is expected to disrupt the last 15 amino acid(s) of the COL10A1 protein. This variant is not present in population databases (gnomAD no frequency). This premature translational stop signal has been observed in individual(s) with clinical features of autosomal dominant metaphyseal chondrodysplasia, Schmid type (Invitae). ClinVar contains an entry for this variant (Variation ID: 1475344). This variant is located in a region of the COL10A1 protein where a significant number of COL10A1 nonsense and frameshift mutations have been reported in association with autosomal dominant metaphyseal chondrodysplasia (PMID: 21447328, 33764685, 36400164). In summary, the currently available evidence indicates that the variant is pathogenic, but additional data are needed to prove that conclusively. Therefore, this variant has been classified as Likely Pathogenic.

Literature cited by the submitters: PubMed 21447328; PubMed 33764685; PubMed 36400164.